The following is an entry in ClinVar:

NM_001851.6(COL9A1):c.1553A>T (p.Asp518Val)

Gene: COL9A1 (collagen type IX alpha 1 chain; minus strand). Cytogenetic location: 6q13.
Variant type: single nucleotide variant.
Coding change: c.1553A>T on transcript NM_001851.6 (MANE Select); coding-DNA position 1553, A replaced by T.
Protein change: p.Asp518Val; replaces aspartic acid 518 with valine.
Molecular consequence: missense variant. On other transcripts: non-coding transcript variant (1).
Genome position (GRCh38, 1-based): chr6:70,255,341, T>A on the plus strand (A>T on the coding strand, the complement: COL9A1 is on the minus strand). VCF-style: chr6-70255341-T-A. GRCh37 (hg19) VCF-style: chr6-70965044-T-A.
Other names: c.824A>T, p.Asp275Val (NM_001377289.1, NM_001377290.1, NM_078485.4); short protein forms D518V, D275V.
Identifiers: ClinVar variation 393272 (VCV000393272.20), dbSNP rs142539130, ClinGen allele CA3882147.
Genomic context (GRCh38, chr6:70,255,341, plus strand): 5'-AATCAGCAGATGACACTGAAAAGCAGGAGGCTTGGAGTGACTGAATTTAAACTCACTCTA[T>A]CTCCTTTGGGACCTGCTTCTCCTGGAGGTCCTCGCTGTCCTTGATCACCCTGTATGAAAA-3'
Protein context (NP_001842.3, residues 508-528): GPPGEAGPKG[Asp518Val]RGAEGARGIP

ClinVar aggregate classification (germline): Uncertain significance. Review status: criteria provided, multiple submitters, no conflicts (2 of 4 stars). 9 submissions from 9 submitters: Uncertain significance (6). 3 of the submissions do not count toward it. Last evaluated 2026-06-01.

Conditions:
Retinal dystrophy. Also called: Inherited retinal dystrophy. Identifiers: Orphanet 71862, MedGen C0854723, MeSH D058499, MONDO:0019118, HP:0000556.
Epiphyseal dysplasia, multiple, 6. Also called: COL9A1-Related Multiple Epiphyseal Dysplasia. Identifiers: MedGen C2675767, MONDO:0013591, OMIM 614135.
Stickler syndrome, type 4 (STL4). Identifiers: Orphanet 250984, Orphanet 828, MedGen C3279941, MONDO:0013590, OMIM 614134.
COL9A1-related disorder. Also called: COL9A1-related condition; COL9A1-related disorders.

Allele frequency attached by ClinVar (database versions not stated): TOPMed 0.00016; gnomAD 0.00018 and 0.00019; gnomAD exomes 0.00023; ExAC 0.00027; ESP Exome Variant Server 0.00031.
gnomAD v4.1: 421 of 1,614,056 alleles (0.026%); highest among the groups gnomAD compares: Non-Finnish European, 0.034%; no homozygotes.

Submissions (9):

CeGaT Center for Human Genetics Tuebingen
Classification: Uncertain significance. Last evaluated: 2026-06-01. Review status: criteria provided, single submitter. Criteria: CeGaT Center For Human Genetics Tuebingen Variant Classification Criteria Version 2. Collection method: clinical testing. Allele origin: germline. Affected: yes. Observed: 1 variant allele.
Comment: COL9A1: PM2

PreventionGenetics, part of Exact Sciences
Classification: Uncertain significance for COL9A1-related condition. Last evaluated: 2026-02-19. Review status: criteria provided, single submitter. Criteria: ACMG Guidelines, 2015. Collection method: clinical testing. Allele origin: germline.
Comment: The COL9A1 c.1553A>T variant is predicted to result in the amino acid substitution p.Asp518Val. To our knowledge, this variant has not been reported in the literature. This variant is reported in 0.045% of alleles in individuals of European (Non-Finnish) descent in gnomAD. At this time, the clinical significance of this variant is uncertain due to the absence of conclusive functional and genetic evidence.

Blueprint Genetics
Classification: Uncertain significance. Last evaluated: 2024-10-25. Review status: criteria provided, single submitter. Criteria: ACMG Guidelines, 2015. Collection method: clinical testing. Allele origin: germline.

Fulgent Genetics
Classification: Uncertain significance for Stickler syndrome, type 4; Epiphyseal dysplasia, multiple, 6. Last evaluated: 2024-05-01. Review status: criteria provided, single submitter. Criteria: ACMG Guidelines, 2015. Collection method: clinical testing. Allele origin: germline.

GeneDx
Classification: Uncertain significance. Last evaluated: 2024-04-26. Review status: criteria provided, single submitter. Criteria: GeneDx Variant Classification Process June 2021. Collection method: clinical testing. Allele origin: germline. Affected: yes.
Comment: In silico analysis supports that this missense variant has a deleterious effect on protein structure/function; Has not been previously published as pathogenic or benign to our knowledge

Labcorp Genetics (formerly Invitae), Labcorp
Classification: Uncertain significance. Last evaluated: 2022-07-28. Review status: criteria provided, single submitter. Criteria: Invitae Variant Classification Sherloc (09022015). Collection method: clinical testing. Allele origin: germline.
Comment: This sequence change replaces aspartic acid, which is acidic and polar, with valine, which is neutral and non-polar, at codon 518 of the COL9A1 protein (p.Asp518Val). This variant is present in population databases (rs142539130, gnomAD 0.05%). This variant has not been reported in the literature in individuals affected with COL9A1-related conditions. ClinVar contains an entry for this variant (Variation ID: 393272). Advanced modeling of protein sequence and biophysical properties (such as structural, functional, and spatial information, amino acid conservation, physicochemical variation, residue mobility, and thermodynamic stability) performed at Invitae indicates that this missense variant is not expected to disrupt COL9A1 protein function. In summary, the available evidence is currently insufficient to determine the role of this variant in disease. Therefore, it has been classified as a Variant of Uncertain Significance.

Institute of Human Genetics, Univ. Regensburg, Univ. Regensburg
Classification: Uncertain significance for Retinal dystrophy. Last evaluated: 2023-01-01. Review status: no assertion criteria provided. Criteria: ACMG Guidelines, 2015. Collection method: clinical testing. Allele origin: germline. Affected: yes. Not counted in ClinVar's aggregate classification.

Clinical Genetics DNA and cytogenetics Diagnostics Lab, Erasmus MC, Erasmus Medical Center
Classification: Uncertain significance. Review status: no assertion criteria provided. Collection method: clinical testing. Allele origin: germline. Affected: yes. Study: VKGL Data-share Consensus. Not counted in ClinVar's aggregate classification.

Clinical Genetics, Academic Medical Center
Classification: Uncertain significance. Review status: no assertion criteria provided. Collection method: clinical testing. Allele origin: germline. Affected: yes. Study: VKGL Data-share Consensus. Not counted in ClinVar's aggregate classification.